The following is an entry in ClinVar:

ClinVar aggregate classification (germline): Benign (1 of 4 stars; one submission).

Allele frequency attached by ClinVar (database versions not stated): ExAC 0.00049; ESP Exome Variant Server 0.00108; 1000 Genomes Project 0.00180; 1000 Genomes Project 30x 0.00234.
gnomAD v4.1: 472 of 1,612,394 alleles (0.029%); highest among the groups gnomAD compares: African/African-American, 0.57%; no homozygotes.

Submission:

CeGaT Center for Human Genetics Tuebingen
Classification: Benign. Last evaluated: 2022-07-01. Review status: criteria provided, single submitter. Criteria: CeGaT Center For Human Genetics Tuebingen Variant Classification Criteria Version 2. Collection method: clinical testing. Allele origin: germline. Affected: yes. Observed: 1 variant allele.
Comment: RNF2: BS1, BS2

NM_007212.4(RNF2):c.966C>T (p.Asn322=)

Gene: RNF2 (ring finger protein 2; plus strand). Cytogenetic location: 1q25.3.
Variant type: single nucleotide variant.
Coding change: c.966C>T on transcript NM_007212.4 (MANE Select); coding-DNA position 966, C replaced by T.
Protein change: p.Asn322=; no amino-acid change (asparagine 322 retained).
Molecular consequence: synonymous variant.
Genome position (GRCh38, 1-based): chr1:185,100,256, C>T. VCF-style: chr1-185100256-C-T. GRCh37 (hg19) VCF-style: chr1-185069388-C-T.
Identifiers: ClinVar variation 2639640 (VCV002639640.24), dbSNP rs148949992, ClinGen allele CA1288924.